The following is an entry in ClinVar:

ClinVar aggregate classification (germline): Uncertain significance (1 of 4 stars; one submission).

Allele frequency attached by ClinVar (database versions not stated): gnomAD exomes below 0.00001.
gnomAD v4.1: 1 of 1,512,326 alleles (0.000066%); highest among the groups gnomAD compares: Non-Finnish European, 0.000088%; no homozygotes.

Submission:

GeneDx
Classification: Uncertain significance. Last evaluated: 2022-01-11. Review status: criteria provided, single submitter. Criteria: GeneDx Variant Classification Process June 2021. Collection method: clinical testing. Allele origin: germline. Affected: yes.
Comment: Not observed at significant frequency in large population cohorts (gnomAD); In silico analysis supports that this missense variant has a deleterious effect on protein structure/function; Has not been previously published as pathogenic or benign to our knowledge

NM_001042681.2(RERE):c.2834A>G (p.His945Arg)

Gene: RERE (arginine-glutamic acid dipeptide repeats; minus strand). Cytogenetic location: 1p36.23.
Variant type: single nucleotide variant.
Coding change: c.2834A>G on transcript NM_001042681.2 (MANE Select); coding-DNA position 2834, A replaced by G.
Protein change: p.His945Arg; replaces histidine 945 with arginine.
Molecular consequence: missense variant.
Genome position (GRCh38, 1-based): chr1:8,360,673, T>C on the plus strand (A>G on the coding strand, the complement: RERE is on the minus strand). VCF-style: chr1-8360673-T-C. GRCh37 (hg19) VCF-style: chr1-8420733-T-C.
Other names: c.1172A>G, p.His391Arg (NM_001042682.2); c.2834A>G, p.His945Arg (NM_012102.4); short protein forms H391R, H945R.
Identifiers: ClinVar variation 1695653 (VCV001695653.2), dbSNP rs2124367224, ClinGen allele CA338171812.